The following is an entry in ClinVar:

NM_005045.4(RELN):c.2001T>A (p.Asn667Lys)

Gene: RELN (reelin; minus strand). Cytogenetic location: 7q22.1.
Variant type: single nucleotide variant.
Coding change: c.2001T>A on transcript NM_005045.4 (MANE Select); coding-DNA position 2001, T replaced by A.
Protein change: p.Asn667Lys; replaces asparagine 667 with lysine.
Molecular consequence: missense variant.
Genome position (GRCh38, 1-based): chr7:103,650,275, A>T on the plus strand (T>A on the coding strand, the complement: RELN is on the minus strand). VCF-style: chr7-103650275-A-T. GRCh37 (hg19) VCF-style: chr7-103290722-A-T.
Other names: c.2001T>A, p.Asn667Lys (NM_173054.3); short protein forms N667K.
Identifiers: ClinVar variation 1927531 (VCV001927531.5), dbSNP rs2484833552, ClinGen allele CA368763961.

ClinVar aggregate classification (germline): Uncertain significance (1 of 4 stars; one submission).

Conditions:
Familial temporal lobe epilepsy 7. Identifiers: Orphanet 101046, MedGen C4225327, MONDO:0014639, OMIM 616436.
Norman-Roberts syndrome (LIS2). Also called: Lissencephaly 2 (Norman-Roberts type). Identifiers: Orphanet 89844, MedGen C0796089, MONDO:0009760, OMIM 257320.

Submission:

Labcorp Genetics (formerly Invitae), Labcorp
Classification: Uncertain significance for Familial temporal lobe epilepsy 7; Norman-Roberts syndrome. Last evaluated: 2025-06-24. Review status: criteria provided, single submitter. Criteria: Invitae Variant Classification Sherloc (09022015). Collection method: clinical testing. Allele origin: germline.
Comment: This sequence change replaces asparagine, which is neutral and polar, with lysine, which is basic and polar, at codon 667 of the RELN protein (p.Asn667Lys). This variant is not present in population databases (gnomAD no frequency). This variant has not been reported in the literature in individuals affected with RELN-related conditions. ClinVar contains an entry for this variant (Variation ID: 1927531). An algorithm developed to predict the effect of missense changes on protein structure and function (PolyPhen-2) suggests that this variant is likely to be disruptive. In summary, the available evidence is currently insufficient to determine the role of this variant in disease. Therefore, it has been classified as a Variant of Uncertain Significance.